The following is an entry in ClinVar:

NM_006035.4(CDC42BPB):c.1783T>A (p.Ser595Thr)

Gene: CDC42BPB (CDC42 binding protein kinase beta; minus strand). Cytogenetic location: 14q32.32.
Variant type: single nucleotide variant.
Coding change: c.1783T>A on transcript NM_006035.4 (MANE Select); coding-DNA position 1783, T replaced by A.
Protein change: p.Ser595Thr; replaces serine 595 with threonine.
Molecular consequence: missense variant.
Genome position (GRCh38, 1-based): chr14:102,972,020, A>T on the plus strand (T>A on the coding strand, the complement: CDC42BPB is on the minus strand). VCF-style: chr14-102972020-A-T. GRCh37 (hg19) VCF-style: chr14-103438357-A-T.
Other names: c.1783T>A, p.Ser595Thr (NM_001411054.1); short protein forms S595T.
Identifiers: ClinVar variation 4527363 (VCV004527363.1).

ClinVar aggregate classification (germline): Uncertain significance (1 of 4 stars; one submission).

Submission:

GeneDx
Classification: Uncertain significance. Last evaluated: 2025-04-27. Review status: criteria provided, single submitter. Criteria: GeneDx Variant Classification Process June 2021. Collection method: clinical testing. Allele origin: germline. Affected: yes.
Comment: Not observed at significant frequency in large population cohorts (gnomAD); In silico analysis indicates that this missense variant does not alter protein structure/function; Has not been previously published as pathogenic or benign to our knowledge